The following is an entry in ClinVar:

ClinVar aggregate classification (germline): Uncertain significance (0 of 4 stars; one submission).

Conditions:
ZNF462-related disorder. Also called: ZNF462-related condition; ZNF462 related disease.

Submission:

PreventionGenetics, part of Exact Sciences
Classification: Uncertain significance for ZNF462-related condition. Last evaluated: 2023-12-05. Review status: no assertion criteria provided. Collection method: clinical testing. Allele origin: germline.
Comment: The ZNF462 c.6925T>A variant is predicted to result in the amino acid substitution p.Cys2309Ser. To our knowledge, this variant has not been reported in the literature or in a large population database, indicating this variant is rare. At this time, the clinical significance of this variant is uncertain due to the absence of conclusive functional and genetic evidence.

NM_021224.6(ZNF462):c.6925T>A (p.Cys2309Ser)

Genes: ZNF462 (zinc finger protein 462; plus strand), LOC340512 (uncharacterized LOC340512; minus strand). Cytogenetic location: 9q31.2.
Variant type: single nucleotide variant.
Coding change: c.6925T>A on transcript NM_021224.6 (MANE Select); coding-DNA position 6925, T replaced by A.
Protein change: p.Cys2309Ser; replaces cysteine 2309 with serine.
Molecular consequence: missense variant.
Genome position (GRCh38, 1-based): chr9:106,984,278, T>A. VCF-style: chr9-106984278-T-A. GRCh37 (hg19) VCF-style: chr9-109746559-T-A.
Other names: c.4330T>A, p.Cys1444Ser (NM_001347997.2); short protein forms C1444S, C2309S.
Identifiers: ClinVar variation 3031273 (VCV003031273.2), dbSNP rs2539495329, ClinGen allele CA374660487.